The following is an entry in ClinVar:

ClinVar aggregate classification (germline): Pathogenic (1 of 4 stars; one submission).

Conditions:
Galactosylceramide beta-galactosidase deficiency. Also called: GALACTOCEREBROSIDASE DEFICIENCY; GALC DEFICIENCY; GLOBOID CELL LEUKOENCEPHALOPATHY; Leukodystrophy, Globoid Cell; Krabbe Disease. Identifiers: Orphanet 487, MedGen C0023521, MONDO:0009499, OMIM 245200.

Submission:

Myriad Genetics, Inc.
Classification: Pathogenic for Galactosylceramide beta-galactosidase deficiency. Last evaluated: 2025-06-02. Review status: criteria provided, single submitter. Criteria: Myriad Autosomal Dominant, Autosomal Recessive and X-Linked Classification Criteria (2023). Collection method: clinical testing. Allele origin: unknown.
Comment: NM_000153.3(GALC):c.411_432dup22(T145*) is a nonsense variant classified as pathogenic in the context of Krabbe disease. T145* has not been observed in cases with relevant disease. Relevant functional assessments of this variant are not available in the literature. T145* has not been observed in referenced population frequency databases. In summary, NM_000153.3(GALC):c.411_432dup22(T145*) is a nonsense variant in a gene where loss of function is a known mechanism of disease and is predicted to disrupt protein function. Please note: this variant was assessed in the context of healthy population screening.

NM_000153.4(GALC):c.411_432dup (p.Thr145Ter)

Gene: GALC (galactosylceramidase; minus strand). Cytogenetic location: 14q31.3.
Variant type: Duplication.
Coding change: c.411_432dup on transcript NM_000153.4 (MANE Select); coding-DNA positions 411 to 432, 22 bases duplicated (TAAGAAGAGGAATCCCAATATT).
Protein change: p.Thr145Ter; replaces threonine 145 with a stop codon.
Molecular consequence: nonsense. On other transcripts: 5 prime UTR variant (2), non-coding transcript variant (1).
Genome position (GRCh38, 1-based): chr14:87,986,499-87,986,520, AATATTGGGATTCCTCTTCTTA duplicated on the plus strand (TAAGAAGAGGAATCCCAATATT on the coding strand, the reverse complement: GALC is on the minus strand). VCF-style (leftmost placement, unchanged base first): chr14-87986498-T-TAATATTGGGATTCCTCTTCTTA. GRCh37 (hg19) VCF-style: chr14-88452842-T-TAATATTGGGATTCCTCTTCTTA.
Other names: c.342_363dup, p.Thr122Ter (NM_001201401.2); c.333_354dup, p.Thr119Ter (NM_001201402.2); c.243_264dup, p.Thr89Ter (NM_001424071.1, NM_001424072.1, NM_001424073.1); c.63_84dup, p.Thr29Ter (NM_001424074.1, NM_001424075.1); c.-257_-236dup (NM_001424076.1, NM_001424077.1); short protein forms T119*, T122*, T145*, T29*, T89*.
Identifiers: ClinVar variation 4081691 (VCV004081691.1).
Genomic context (GRCh38, chr14:87,986,498, plus strand): 5'-AAAAGTTAAAGGAAAAGAGACTGAAGAAACATTGCAAACTTCATTTCTTACCAATGAGTG[T>TAATATTGGGATTCCTCTTCTTA]AATATTGGGATTCCTCTTCTTAGCTTCTTTCATCAACCACCACTCGTATCCTCGGAAATA-3'